The following is an entry in ClinVar:

NM_145117.5(NAV2):c.807C>T (p.Gly269=)

Genes: NAV2 (neuron navigator 2; plus strand), LOC126861157 (CDK7 strongly-dependent group 2 enhancer GRCh37_chr11:19913575-19914774; plus strand). Cytogenetic location: 11p15.1.
Variant type: single nucleotide variant.
Coding change: c.807C>T on transcript NM_145117.5 (MANE Select); coding-DNA position 807, C replaced by T.
Protein change: p.Gly269=; no amino-acid change (glycine 269 retained).
Molecular consequence: synonymous variant.
Genome position (GRCh38, 1-based): chr11:19,892,470, C>T. VCF-style: chr11-19892470-C-T. GRCh37 (hg19) VCF-style: chr11-19914016-C-T.
Other names: c.615C>T, p.Gly205= (NM_001111018.2); c.876C>T, p.Gly292= (NM_001244963.2); c.807C>T, p.Gly269= (NM_182964.6).
Identifiers: ClinVar variation 4994771 (VCV004994771.1).

ClinVar aggregate classification (germline): Likely benign (1 of 4 stars; one submission).

Conditions:
NAV2-related disorder. Also called: NAV2-related condition.

Submission:

PreventionGenetics, part of Exact Sciences
Classification: Likely benign for NAV2-related condition. Last evaluated: 2026-05-11. Review status: criteria provided, single submitter. Criteria: ACMG Guidelines, 2015. Collection method: clinical testing. Allele origin: germline.
Comment: This variant is classified as likely benign based on ACMG/AMP sequence variant interpretation guidelines (Richards et al. 2015 PMID: 25741868, with internal and published modifications).